The following is an entry in ClinVar:

NM_001036.6(RYR3):c.5461C>T (p.His1821Tyr)

Gene: RYR3 (ryanodine receptor 3; plus strand). Cytogenetic location: 15q14.
Variant type: single nucleotide variant.
Coding change: c.5461C>T on transcript NM_001036.6 (MANE Select); coding-DNA position 5461, C replaced by T.
Protein change: p.His1821Tyr; replaces histidine 1821 with tyrosine.
Molecular consequence: missense variant.
Genome position (GRCh38, 1-based): chr15:33,663,579, C>T. VCF-style: chr15-33663579-C-T. GRCh37 (hg19) VCF-style: chr15-33955780-C-T.
Other names: c.5461C>T, p.His1821Tyr (NM_001243996.4); c.5461C>T (NM_001036.3); short protein forms H1821Y.
Identifiers: ClinVar variation 847874 (VCV000847874.10), dbSNP rs766712025, ClinGen allele CA391574365.

ClinVar aggregate classification (germline): Uncertain significance. Review status: criteria provided, multiple submitters, no conflicts (2 of 4 stars). 2 submissions from 2 submitters: Uncertain significance (2). Last evaluated 2022-08-15.

Conditions:
Epileptic encephalopathy. Identifiers: MedGen C0543888, HP:0200134.

Allele frequency attached by ClinVar (database versions not stated): gnomAD exomes 0.00001; gnomAD 0.00003 and 0.00005; TOPMed 0.00004.
gnomAD v4.1: 9 of 1,613,736 alleles (0.00056%); highest among the groups gnomAD compares: African/African-American, 0.012%; no homozygotes.

Submissions (2):

Labcorp Genetics (formerly Invitae), Labcorp
Classification: Uncertain significance for Epileptic encephalopathy. Last evaluated: 2022-08-15. Review status: criteria provided, single submitter. Criteria: Invitae Variant Classification Sherloc (09022015). Collection method: clinical testing. Allele origin: germline.
Comment: This sequence change replaces histidine, which is basic and polar, with tyrosine, which is neutral and polar, at codon 1821 of the RYR3 protein (p.His1821Tyr). This variant is present in population databases (no rsID available, gnomAD 0.02%). This variant has not been reported in the literature in individuals affected with RYR3-related conditions. ClinVar contains an entry for this variant (Variation ID: 847874). Algorithms developed to predict the effect of missense changes on protein structure and function (SIFT, PolyPhen-2, Align-GVGD) all suggest that this variant is likely to be disruptive. In summary, the available evidence is currently insufficient to determine the role of this variant in disease. Therefore, it has been classified as a Variant of Uncertain Significance.

Ambry Genetics
Classification: Uncertain significance. Last evaluated: 2021-11-08. Review status: criteria provided, single submitter. Criteria: Ambry Variant Classification Scheme 2023. Collection method: clinical testing. Allele origin: germline.